The following is an entry in ClinVar:

ClinVar aggregate classification (germline): Uncertain significance (1 of 4 stars; one submission).

Conditions:
Myofibrillar myopathy 5. Also called: FILAMINOPATHY, AUTOSOMAL DOMINANT; Filaminopathy (type). Identifiers: Orphanet 171445, MedGen C1836050, MONDO:0012289, OMIM 609524.
Distal myopathy with posterior leg and anterior hand involvement. Also called: WILLIAMS DISTAL MYOPATHY. Identifiers: Orphanet 63273, MedGen C3279722, MONDO:0013550, OMIM 614065.
Dilated Cardiomyopathy, Dominant.
Hypertrophic cardiomyopathy 26. Also called: Cardiomyopathy, familial hypertrophic, 26. Identifiers: Orphanet 75249, MedGen C4310749, MONDO:0014883, OMIM 617047.

Allele frequency attached by ClinVar (database versions not stated): gnomAD 0.00001.
gnomAD v4.1: 12 of 1,480,598 alleles (0.00081%); highest among the groups gnomAD compares: African/African-American, 0.0056%; 1 homozygote.

Submission:

Labcorp Genetics (formerly Invitae), Labcorp
Classification: Uncertain significance for Distal myopathy with posterior leg and anterior hand involvement; Myofibrillar myopathy 5; Hypertrophic cardiomyopathy 26. Last evaluated: 2024-08-06. Review status: criteria provided, single submitter. Criteria: Invitae Variant Classification Sherloc (09022015). Collection method: clinical testing. Allele origin: germline.
Comment: This sequence change falls in intron 3 of the FLNC gene. It does not directly change the encoded amino acid sequence of the FLNC protein. It affects a nucleotide within the consensus splice site. This variant is not present in population databases (gnomAD no frequency). This variant has not been reported in the literature in individuals affected with FLNC-related conditions. ClinVar contains an entry for this variant (Variation ID: 1420714). Variants that disrupt the consensus splice site are a relatively common cause of aberrant splicing (PMID: 17576681, 9536098). Algorithms developed to predict the effect of sequence changes on RNA splicing suggest that this variant is not likely to affect RNA splicing. In summary, the available evidence is currently insufficient to determine the role of this variant in disease. Therefore, it has been classified as a Variant of Uncertain Significance.

Literature cited by the submitters: PubMed 17576681; PubMed 9536098.

NM_001458.5(FLNC):c.699+5A>G

Gene: FLNC (filamin C; plus strand). Cytogenetic location: 7q32.1.
Variant type: single nucleotide variant.
Coding change: c.699+5A>G on transcript NM_001458.5 (MANE Select); 5 bases into the intron after coding-DNA position 699, A replaced by G.
Molecular consequence: intron variant.
Genome position (GRCh38, 1-based): chr7:128,837,262, A>G. VCF-style: chr7-128837262-A-G. GRCh37 (hg19) VCF-style: chr7-128477316-A-G.
Other names: c.699+5A>G (NM_001127487.2).
Identifiers: ClinVar variation 1420714 (VCV001420714.5), dbSNP rs1808129501, ClinGen allele CA1107055628.
Genomic context (GRCh38, chr7:128,837,262, plus strand): 5'-TGGAGAACGCCCGGGAGGCCATGCAGCAGGCCGACGACTGGCTTGGGGTGCCCCAGGTAC[A>G]TGCGCAGATGGGGCAGGGGGGAAAGGGGGCAGGGGCAGAGGTTGGGTCTGTAAGTTTACC-3'